The following is an entry in ClinVar:

NM_002528.7(NTHL1):c.442G>T (p.Ala148Ser)

Gene: NTHL1 (nth like DNA glycosylase 1; minus strand). Cytogenetic location: 16p13.3.
Variant type: single nucleotide variant.
Coding change: c.442G>T on transcript NM_002528.7 (MANE Select); coding-DNA position 442, G replaced by T.
Protein change: p.Ala148Ser; replaces alanine 148 with serine.
Molecular consequence: missense variant. On other transcripts: intron variant (1).
Genome position (GRCh38, 1-based): chr16:2,044,713, C>A on the plus strand (G>T on the coding strand, the complement: NTHL1 is on the minus strand). VCF-style: chr16-2044713-C-A. GRCh37 (hg19) VCF-style: chr16-2094714-C-A.
Other names: c.112G>T, p.Ala38Ser (NM_001318194.2); c.355-987G>T (NM_001318193.2); short protein forms A148S, A38S.
Identifiers: ClinVar variation 3301250 (VCV003301250.1).
Genomic context (GRCh38, chr16:2,044,713, plus strand): 5'-TGAGCTTGCCCAGCGTGGCATCATCTGTCTGCAGGATGCTGTCCACCGTCAGGCCCCGCG[C>A]CCGCAGTCGCTGCATGGCGCCCGCCGTCACCTGGTCTTTGGTTTGGCTGGAGAGCATCAG-3'
Protein context (NP_002519.2, residues 138-158): VTAGAMQRLR[Ala148Ser]RGLTVDSILQ

ClinVar aggregate classification (germline): Uncertain significance (1 of 4 stars; one submission).

Conditions:
Hereditary cancer-predisposing syndrome. Also called: Tumor predisposition; Hereditary Cancer Syndrome; Hereditary neoplastic syndrome; Neoplastic Syndromes, Hereditary. Identifiers: Orphanet 140162, MedGen C0027672, MeSH D009386, MONDO:0015356.

Submission:

Ambry Genetics
Classification: Uncertain significance for Hereditary cancer-predisposing syndrome. Last evaluated: 2024-05-18. Review status: criteria provided, single submitter. Criteria: Ambry Variant Classification Scheme 2023. Collection method: clinical testing. Allele origin: germline.
Comment: The p.A156S variant (also known as c.466G>T), located in coding exon 3 of the NTHL1 gene, results from a G to T substitution at nucleotide position 466. The alanine at codon 156 is replaced by serine, an amino acid with similar properties. This amino acid position is conserved. In addition, this alteration is predicted to be tolerated by in silico analysis. Based on the available evidence, the clinical significance of this variant remains unclear.